The following is an entry in ClinVar:

ClinVar aggregate classification (germline): Uncertain significance (1 of 4 stars; one submission).

Conditions:
Warts, hypogammaglobulinemia, infections, and myelokathexis. Also called: WHIM syndrome. Identifiers: MedGen C0472817, MONDO:0023880.

Allele frequency attached by ClinVar (database versions not stated): TOPMed below 0.00001.

Submission:

Labcorp Genetics (formerly Invitae), Labcorp
Classification: Uncertain significance for Warts, hypogammaglobulinemia, infections, and myelokathexis. Last evaluated: 2023-07-18. Review status: criteria provided, single submitter. Criteria: Invitae Variant Classification Sherloc (09022015). Collection method: clinical testing. Allele origin: germline.
Comment: This sequence change replaces histidine, which is basic and polar, with arginine, which is basic and polar, at codon 232 of the CXCR4 protein (p.His232Arg). This variant is not present in population databases (gnomAD no frequency). This variant has not been reported in the literature in individuals affected with CXCR4-related conditions. An algorithm developed to predict the effect of missense changes on protein structure and function (PolyPhen-2) suggests that this variant is likely to be tolerated. In summary, the available evidence is currently insufficient to determine the role of this variant in disease. Therefore, it has been classified as a Variant of Uncertain Significance.

NM_003467.3(CXCR4):c.695A>G (p.His232Arg)

Gene: CXCR4 (C-X-C motif chemokine receptor 4; minus strand). Cytogenetic location: 2q22.1.
Variant type: single nucleotide variant.
Coding change: c.695A>G on transcript NM_003467.3 (MANE Select); coding-DNA position 695, A replaced by G.
Protein change: p.His232Arg; replaces histidine 232 with arginine.
Molecular consequence: missense variant.
Genome position (GRCh38, 1-based): chr2:136,115,233, T>C on the plus strand (A>G on the coding strand, the complement: CXCR4 is on the minus strand). VCF-style: chr2-136115233-T-C. GRCh37 (hg19) VCF-style: chr2-136872803-T-C.
Other names: c.707A>G, p.His236Arg (NM_001008540.2); c.908A>G, p.His303Arg (NM_001348056.2); c.794A>G, p.His265Arg (NM_001348059.2); c.650A>G, p.His217Arg (NM_001348060.2); short protein forms H232R, H236R, H217R, H265R, H303R.
Identifiers: ClinVar variation 2717954 (VCV002717954.3), dbSNP rs1684850384, ClinGen allele CA348658181.